The following is an entry in ClinVar:

NM_206933.4(USH2A):c.1143+12C>T

Gene: USH2A (usherin; minus strand). Cytogenetic location: 1q41.
Variant type: single nucleotide variant.
Coding change: c.1143+12C>T on transcript NM_206933.4 (MANE Select); 12 bases into the intron after coding-DNA position 1143, C replaced by T.
Molecular consequence: intron variant.
Genome position (GRCh38, 1-based): chr1:216,325,293, G>A on the plus strand (C>T on the coding strand, the complement: USH2A is on the minus strand). VCF-style: chr1-216325293-G-A. GRCh37 (hg19) VCF-style: chr1-216498635-G-A.
Other names: c.1143+12C>T (NM_007123.6).
Identifiers: ClinVar variation 179844 (VCV000179844.14), dbSNP rs727505167, ClinGen allele CA185252.

ClinVar aggregate classification (germline): Likely benign. Review status: criteria provided, multiple submitters, no conflicts (2 of 4 stars). 5 submissions from 5 submitters: Likely benign (4). 1 of the submissions does not count toward it. Last evaluated 2025-12-30.

Conditions:
Retinitis pigmentosa 39 (RP39). Identifiers: Orphanet 791, MedGen C3151138, MONDO:0013436, OMIM 613809.
Usher syndrome type 2A. Also called: RETINAL DISEASE IN USHER SYNDROME TYPE IIA, MODIFIER OF; USHER SYNDROME, TYPE IIA. Identifiers: Orphanet 231178, Orphanet 886, MedGen C1848634, MONDO:0010169, OMIM 276901.

Allele frequency attached by ClinVar (database versions not stated): ExAC 0.00002; gnomAD exomes 0.00004 and 0.00012; gnomAD 0.00005 and 0.00006; TOPMed 0.00007.
gnomAD v4.1: 178 of 1,612,936 alleles (0.011%); highest among the groups gnomAD compares: Non-Finnish European, 0.014%; no homozygotes.

Submissions (5):

Labcorp Genetics (formerly Invitae), Labcorp
Classification: Likely benign. Last evaluated: 2025-12-30. Review status: criteria provided, single submitter. Criteria: Invitae Variant Classification Sherloc (09022015). Collection method: clinical testing. Allele origin: germline.

Women's Health and Genetics/Laboratory Corporation of America, LabCorp
Classification: Likely benign. Last evaluated: 2024-12-12. Review status: criteria provided, single submitter. Criteria: LabCorp Variant Classification Summary - May 2015. Collection method: clinical testing. Allele origin: germline.

Blueprint Genetics
Classification: Likely benign. Last evaluated: 2024-07-23. Review status: criteria provided, single submitter. Criteria: ACMG Guidelines, 2015. Collection method: clinical testing. Allele origin: germline.

Laboratory for Molecular Medicine, Mass General Brigham Personalized Medicine
Classification: Likely benign. Last evaluated: 2014-06-24. Review status: criteria provided, single submitter. Criteria: LMM Criteria. Collection method: clinical testing. Allele origin: germline. Observed: 1 variant allele.
Comment: 1143+12C>T in intron 6 of USH2A: This variant is not expected to have clinical s ignificance because it is not located within the splice consensus sequence, and it is not predicted to impact splicing.

Counsyl
Classification: Likely benign for Usher syndrome type 2A; Retinitis pigmentosa 39. Last evaluated: 2017-05-03. Review status: no assertion criteria provided. Collection method: clinical testing. Allele origin: unknown. Not counted in ClinVar's aggregate classification.